The following is an entry in ClinVar:

NM_003079.5(SMARCE1):c.631G>A (p.Val211Met)

Gene: SMARCE1 (SWI/SNF related BAF chromatin remodeling complex subunit E1; minus strand). Cytogenetic location: 17q21.2.
Variant type: single nucleotide variant.
Coding change: c.631G>A on transcript NM_003079.5 (MANE Select); coding-DNA position 631, G replaced by A.
Protein change: p.Val211Met; replaces valine 211 with methionine.
Molecular consequence: missense variant.
Genome position (GRCh38, 1-based): chr17:40,632,278, C>T on the plus strand (G>A on the coding strand, the complement: SMARCE1 is on the minus strand). VCF-style: chr17-40632278-C-T. GRCh37 (hg19) VCF-style: chr17-38788530-C-T.
Other names: short protein forms V211M.
Identifiers: ClinVar variation 4845047 (VCV004845047.1).
Genomic context (GRCh38, chr17:40,632,278, plus strand): 5'-CCTGCCGTTTGAGGACCTGCATTCTAGCTGTTGTGACAACTGACCGAACGTCTGGCACCA[C>T]ACTCTCACTAAGAATTTCACTGATGAGGCGGTGGTTTCTCTGGAAACGGGCGGTGGCTGT-3'
Protein context (NP_003070.3, residues 201-221): RLISEILSES[Val211Met]VPDVRSVVTT

ClinVar aggregate classification (germline): Uncertain significance (1 of 4 stars; one submission).

Conditions:
Hereditary cancer-predisposing syndrome. Also called: Neoplastic Syndromes, Hereditary; Tumor predisposition; Hereditary Cancer Syndrome; Hereditary neoplastic syndrome. Identifiers: Orphanet 140162, MedGen C0027672, MeSH D009386, MONDO:0015356.

Submission:

Ambry Genetics
Classification: Uncertain significance for Hereditary cancer-predisposing syndrome. Last evaluated: 2026-01-24. Review status: criteria provided, single submitter. Criteria: Ambry Variant Classification Scheme 2023. Collection method: clinical testing. Allele origin: germline.
Comment: The p.V211M variant (also known as c.631G>A), located in coding exon 7 of the SMARCE1 gene, results from a G to A substitution at nucleotide position 631. The valine at codon 211 is replaced by methionine, an amino acid with highly similar properties. This amino acid position is conserved. In addition, the in silico prediction for this alteration is inconclusive. Based on the available evidence, the clinical significance of this variant remains unclear.